The following is an entry in ClinVar:

NM_002408.4(MGAT2):c.163G>A (p.Gly55Arg)

Gene: MGAT2 (alpha-1,6-mannosyl-glycoprotein 2-beta-N-acetylglucosaminyltransferase; plus strand). Cytogenetic location: 14q21.3.
Variant type: single nucleotide variant.
Coding change: c.163G>A on transcript NM_002408.4 (MANE Select); coding-DNA position 163, G replaced by A.
Protein change: p.Gly55Arg; replaces glycine 55 with arginine.
Molecular consequence: missense variant.
Genome position (GRCh38, 1-based): chr14:49,621,431, G>A. VCF-style: chr14-49621431-G-A. GRCh37 (hg19) VCF-style: chr14-50088149-G-A.
Other names: c.163G>A (NM_002408.3); short protein forms G55R.
Identifiers: ClinVar variation 2721722 (VCV002721722.2), dbSNP rs910363472, ClinGen allele CA260660511.
Genomic context (GRCh38, chr14:49,621,431, plus strand): 5'-GAGGCCCTCGCCCCACCGTTGCTGGACGCCGAACCCGCGCGGGGTGCCGGCGGCCGCGGT[G>A]GGGACCACCCCTCTGTGGCTGTGGGCATCCGCAGGGTCTCCAACGTGTCGGCGGCTTCCC-3'
Protein context (NP_002399.1, residues 45-65): EPARGAGGRG[Gly55Arg]DHPSVAVGIR

ClinVar aggregate classification (germline): Uncertain significance. Review status: criteria provided, multiple submitters, no conflicts (2 of 4 stars). 2 submissions from 2 submitters: Uncertain significance (2). Last evaluated 2025-10-22.

Conditions:
MGAT2-congenital disorder of glycosylation. Also called: CDG IIa; Congenital disorder of glycosylation, type IIa; MENTAL RETARDATION, GROWTH RETARDATION, PROMINENT COLUMELLA, AND OPEN MOUTH; Alkuraya syndrome; MGAT2-CDG. Identifiers: Orphanet 79329, MedGen C2931008, MONDO:0008908, OMIM 212066.
Inborn genetic diseases. Identifiers: MedGen C0950123, MeSH D030342.

Allele frequency attached by ClinVar (database versions not stated): gnomAD exomes below 0.00001; TOPMed below 0.00001; gnomAD 0.00001.

Submissions (2):

Ambry Genetics
Classification: Uncertain significance for Inborn genetic diseases. Last evaluated: 2025-10-22. Review status: criteria provided, single submitter. Criteria: Ambry Variant Classification Scheme 2023. Collection method: clinical testing. Allele origin: germline.

Labcorp Genetics (formerly Invitae), Labcorp
Classification: Uncertain significance for MGAT2-congenital disorder of glycosylation. Last evaluated: 2023-10-30. Review status: criteria provided, single submitter. Criteria: Invitae Variant Classification Sherloc (09022015). Collection method: clinical testing. Allele origin: germline.
Comment: This sequence change replaces glycine, which is neutral and non-polar, with arginine, which is basic and polar, at codon 55 of the MGAT2 protein (p.Gly55Arg). This variant is not present in population databases (gnomAD no frequency). This variant has not been reported in the literature in individuals affected with MGAT2-related conditions. An algorithm developed to predict the effect of missense changes on protein structure and function (PolyPhen-2) suggests that this variant is likely to be disruptive. In summary, the available evidence is currently insufficient to determine the role of this variant in disease. Therefore, it has been classified as a Variant of Uncertain Significance.